The following is an entry in ClinVar:

NM_000059.4(BRCA2):c.5991_5995del (p.Arg1997fs)

Gene: BRCA2 (BRCA2 DNA repair associated; plus strand). Cytogenetic location: 13q13.1.
Variant type: Deletion.
Coding change: c.5991_5995del on transcript NM_000059.4 (MANE Select); coding-DNA positions 5991 to 5995, 5 bases deleted (ACAAG; older notation c.5991_5995delACAAG).
Protein change: p.Arg1997fs; shifts the reading frame from arginine 1997.
Molecular consequence: frameshift variant.
Genome position (GRCh38, 1-based): chr13:32,340,346-32,340,350, ACAAG deleted; deleting any 5 consecutive bases within chr13:32,340,342-32,340,350 gives the same sequence; the c. name uses the placement nearest the transcript's 3' end. VCF-style (leftmost placement, unchanged base first): chr13-32340341-GCAAGA-G. GRCh37 (hg19) VCF-style: chr13-32914478-GCAAGA-G.
Other names: c.5991_5995delACAAG (NM_000059.3, NM_000059.4); short protein forms R1997fs.
Identifiers: ClinVar variation 545810 (VCV000545810.5), dbSNP rs1555284490, ClinGen allele CA658823675.
Genomic context (GRCh38, chr13:32,340,341, plus strand): 5'-GGGATTTTTAGCACAGCAAGTGGAAAATCTGTCCAGGTATCAGATGCTTCATTACAAAAC[GCAAGA>G]CAAGTGTTTTCTGAAATAGAAGATAGTACCAAGCAAGTCTTTTCCAAAGTATTGTTTAAA-3'

ClinVar aggregate classification (germline): Pathogenic/Likely pathogenic. Review status: criteria provided, multiple submitters, no conflicts (2 of 4 stars). 3 submissions from 3 submitters: Pathogenic (2); Likely pathogenic (1). Last evaluated 2025-01-09.

Conditions:
Hereditary breast ovarian cancer syndrome. Also called: Hereditary breast and ovarian cancer; Hereditary breast and/or ovarian cancer syndrome; Hereditary breast and ovarian cancer syndrome; Hereditary breast and ovarian cancer syndrome (HBOC); Breast and ovarian cancer; BRCA1- and BRCA2-Associated Hereditary Breast and Ovarian Cancer. Identifiers: Orphanet 145, MedGen C0677776, MeSH D061325, MONDO:0003582. Disease mechanism: loss of function.
Familial cancer of breast. Also called: Hereditary breast cancer; hereditary breast carcinoma; BREAST CANCER, FAMILIAL. Identifiers: Orphanet 227535, MedGen C0346153, MONDO:0016419, OMIM 114480. Disease mechanism: loss of function.

Submissions (3):

Women's Health and Genetics/Laboratory Corporation of America, LabCorp
Classification: Pathogenic for Hereditary breast ovarian cancer syndrome. Last evaluated: 2025-01-09. Review status: criteria provided, single submitter. Criteria: LabCorp Variant Classification Summary - May 2015. Collection method: clinical testing. Allele origin: germline.
Comment: Variant summary: BRCA2 c.5991_5995delACAAG (p.Arg1997SerfsX4) results in a premature termination codon, predicted to cause a truncation of the encoded protein or absence of the protein due to nonsense mediated decay, which are commonly known mechanisms for disease. The variant was absent in 250524 control chromosomes. c.5991_5995delACAAG has been reported in the literature in a case-control study of individuals affected with ovarian cancer, although it was not specified whether it was found in an affected individual or a control (Arvai_2019). This report does not provide unequivocal conclusions about association of the variant with Hereditary Breast And Ovarian Cancer Syndrome. To our knowledge, no experimental evidence demonstrating an impact on protein function has been reported. The following publication has been ascertained in the context of this evaluation (PMID: 31341520). ClinVar contains an entry for this variant (Variation ID: 545810). Based on the evidence outlined above, the variant was classified as pathogenic.

Baylor Genetics
Classification: Likely pathogenic for Familial cancer of breast. Last evaluated: 2021-09-12. Review status: criteria provided, single submitter. Criteria: ACMG Guidelines, 2015. Collection method: clinical testing. Allele origin: unknown.

GeneDx
Classification: Pathogenic. Last evaluated: 2017-09-01. Review status: criteria provided, single submitter. Criteria: GeneDx Variant Classification (06012015). Collection method: clinical testing. Allele origin: germline. Affected: yes.
Comment: This deletion of five nucleotides in BRCA2 is denoted c.5991_5995delACAAG at the cDNA level and p.Arg1997SerfsX4 (R1997SfsX4) at the protein level. Using alternate nomenclature, this variant would be defined as BRCA2 6219_6223delACAAG. The normal sequence, with the bases that are deleted in brackets, is CAAG[delACAAG]TGTT. The deletion causes a frameshift which changes an Arginine to a Serine at codon 1997, and creates a premature stop codon at position 4 of the new reading frame. Although this variant has not, to our knowledge, been reported in the literature, it is predicted to cause loss of normal protein function through either protein truncation or nonsense-mediated mRNA decay. We consider this variant to be pathogenic.

Literature cited by the submitters: PubMed 31341520 (cited by Women's Health and Genetics/Laboratory Corporation of America, LabCorp).